The following is an entry in ClinVar:

NM_004171.4(SLC1A2):c.766A>G (p.Met256Val)

Gene: SLC1A2 (solute carrier family 1 member 2; minus strand). Cytogenetic location: 11p13.
Variant type: single nucleotide variant.
Coding change: c.766A>G on transcript NM_004171.4 (MANE Select); coding-DNA position 766, A replaced by G.
Protein change: p.Met256Val; replaces methionine 256 with valine.
Molecular consequence: missense variant.
Genome position (GRCh38, 1-based): chr11:35,301,610, T>C on the plus strand (A>G on the coding strand, the complement: SLC1A2 is on the minus strand). VCF-style: chr11-35301610-T-C. GRCh37 (hg19) VCF-style: chr11-35323157-T-C.
Other names: c.739A>G, p.Met247Val (NM_001195728.3, NM_001252652.2, NM_001439341.1); c.754A>G, p.Met252Val (NM_001439342.1); c.766A>G, p.Met256Val (NM_001439343.1); short protein forms M247V, M252V, M256V.
Identifiers: ClinVar variation 4975804 (VCV004975804.1).

ClinVar aggregate classification (germline): Uncertain significance (1 of 4 stars; one submission).

gnomAD v4.1: 3 of 1,613,832 alleles (0.00019%); highest among the groups gnomAD compares: African/African-American, 0.0027%; no homozygotes.

Submission:

GeneDx
Classification: Uncertain significance. Last evaluated: 2026-01-29. Review status: criteria provided, single submitter. Criteria: GeneDx Variant Classification Process June 2021. Collection method: clinical testing. Allele origin: germline.
Comment: Not observed at significant frequency in large population cohorts (gnomAD); In silico analysis suggests that this missense variant does not alter protein structure/function; Has not been previously published as pathogenic or benign to our knowledge